The following is an entry in ClinVar:

ClinVar aggregate classification (germline): Uncertain significance (1 of 4 stars; one submission).

Submission:

Labcorp Genetics (formerly Invitae), Labcorp
Classification: Uncertain significance. Last evaluated: 2021-05-25. Review status: criteria provided, single submitter. Criteria: Invitae Variant Classification Sherloc (09022015). Collection method: clinical testing. Allele origin: germline.
Comment: This sequence change replaces lysine with arginine at codon 527 of the ASXL2 protein (p.Lys527Arg). The lysine residue is highly conserved and there is a small physicochemical difference between lysine and arginine. This variant is not present in population databases (ExAC no frequency). This variant has not been reported in the literature in individuals with ASXL2-related conditions. Algorithms developed to predict the effect of missense changes on protein structure and function are either unavailable or do not agree on the potential impact of this missense change (SIFT: "Tolerated"; PolyPhen-2: "Not Available"; Align-GVGD: "Class C0"). Algorithms developed to predict the effect of sequence changes on RNA splicing suggest that this variant may create or strengthen a splice site, but this prediction has not been confirmed by published transcriptional studies. In summary, the available evidence is currently insufficient to determine the role of this variant in disease. Therefore, it has been classified as a Variant of Uncertain Significance.

NM_018263.6(ASXL2):c.1580A>G (p.Lys527Arg)

Gene: ASXL2 (ASXL transcriptional regulator 2; minus strand). Cytogenetic location: 2p23.3.
Variant type: single nucleotide variant.
Coding change: c.1580A>G on transcript NM_018263.6 (MANE Select); coding-DNA position 1580, A replaced by G.
Protein change: p.Lys527Arg; replaces lysine 527 with arginine.
Molecular consequence: missense variant.
Genome position (GRCh38, 1-based): chr2:25,749,976, T>C on the plus strand (A>G on the coding strand, the complement: ASXL2 is on the minus strand). VCF-style: chr2-25749976-T-C. GRCh37 (hg19) VCF-style: chr2-25972845-T-C.
Other names: c.1406A>G, p.Lys469Arg (NM_001369346.1); c.800A>G, p.Lys267Arg (NM_001369347.1); short protein forms K267R, K469R, K527R.
Identifiers: ClinVar variation 1425725 (VCV001425725.8), dbSNP rs2149140747, ClinGen allele CA346075290.